The following is an entry in ClinVar:

NM_003280.3(TNNC1):c.25G>A (p.Val9Ile)

Gene: TNNC1 (troponin C1, slow skeletal and cardiac type; minus strand). Cytogenetic location: 3p21.1.
Variant type: single nucleotide variant.
Coding change: c.25G>A on transcript NM_003280.3 (MANE Select); coding-DNA position 25, G replaced by A.
Protein change: p.Val9Ile; replaces valine 9 with isoleucine.
Molecular consequence: missense variant.
Genome position (GRCh38, 1-based): chr3:52,452,513, C>T on the plus strand (G>A on the coding strand, the complement: TNNC1 is on the minus strand). VCF-style: chr3-52452513-C-T. GRCh37 (hg19) VCF-style: chr3-52486529-C-T.
Other names: short protein forms V9I.
Identifiers: ClinVar variation 691810 (VCV000691810.8), dbSNP rs1578264552, ClinGen allele CA353170074.

ClinVar aggregate classification (germline): Uncertain significance. Review status: criteria provided, multiple submitters, no conflicts (2 of 4 stars). 3 submissions from 3 submitters: Uncertain significance (3). Last evaluated 2022-11-24.

Conditions:
Hypertrophic cardiomyopathy 13. Also called: TNNC1-Related Familial Hypertrophic Cardiomyopathy. Identifiers: MedGen C2750472, MONDO:0013195, OMIM 613243.
Dilated cardiomyopathy 1Z (CMD1Z). Identifiers: Orphanet 154, MedGen C2678475, MONDO:0012745, OMIM 611879.
Cardiovascular phenotype. Identifiers: MedGen CN230736.
Primary dilated cardiomyopathy (DCM). Also called: Dilated Cardiomyopathy. Identifiers: Orphanet 217604, MedGen C0007193, MeSH D002311, MONDO:0005021, HP:0001644. Inheritance: Various modes of inheritance.

Submissions (3):

Labcorp Genetics (formerly Invitae), Labcorp
Classification: Uncertain significance for Hypertrophic cardiomyopathy 13; Dilated cardiomyopathy 1Z. Last evaluated: 2022-11-24. Review status: criteria provided, single submitter. Criteria: Invitae Variant Classification Sherloc (09022015). Collection method: clinical testing. Allele origin: germline.
Comment: This sequence change replaces valine, which is neutral and non-polar, with isoleucine, which is neutral and non-polar, at codon 9 of the TNNC1 protein (p.Val9Ile). This variant is not present in population databases (gnomAD no frequency). This missense change has been observed in individual(s) with dilated cardiomyopathy (PMID: 31568572). ClinVar contains an entry for this variant (Variation ID: 691810). Algorithms developed to predict the effect of missense changes on protein structure and function (SIFT, PolyPhen-2, Align-GVGD) all suggest that this variant is likely to be tolerated. In summary, the available evidence is currently insufficient to determine the role of this variant in disease. Therefore, it has been classified as a Variant of Uncertain Significance.

Ambry Genetics
Classification: Uncertain significance for Cardiovascular phenotype. Last evaluated: 2022-04-29. Review status: criteria provided, single submitter. Criteria: Ambry Variant Classification Scheme 2023. Collection method: clinical testing. Allele origin: germline.
Comment: The p.V9I variant (also known as c.25G>A) is located in coding exon 2 of the TNNC1 gene. The valine at codon 9 is replaced by isoleucine, an amino acid with highly similar properties. This change occurs in the first base pair of coding exon 2. This alteration has been reported in a pediatric cardiomyopathy cohort; however, clinical details were limited (K&uuml;hnisch J et al. Clin Genet, 2019 12;96:549-559). This amino acid position is well conserved in available vertebrate species. In addition, the in silico prediction for this alteration is inconclusive. Since supporting evidence is limited at this time, the clinical significance of this alteration remains unclear.

Klaassen Lab, Charite University Medicine Berlin
Classification: Uncertain significance for Primary dilated cardiomyopathy. Last evaluated: 2019-07-03. Review status: criteria provided, single submitter. Criteria: ACMG Guidelines, 2015. Collection method: research. Allele origin: germline. Affected: yes.

Literature cited by the submitters: PubMed 31568572 (cited by 3 submitters); PubMed 31333075 (cited by Klaassen Lab, Charite University Medicine Berlin).